The following is an entry in ClinVar:

ClinVar aggregate classification (germline): Benign/Likely benign. Review status: criteria provided, multiple submitters, no conflicts (2 of 4 stars). 4 submissions from 4 submitters: Benign (2); Likely benign (1). 1 of the submissions does not count toward it. Last evaluated 2023-01-01.

Conditions:
MUC16-related disorder. Also called: MUC16-related condition.

Allele frequency attached by ClinVar (database versions not stated): 1000 Genomes Project 30x 0.00078; 1000 Genomes Project 0.00100; gnomAD 0.00196 and 0.00200; TOPMed 0.00233; ExAC 0.00270; gnomAD exomes 0.00287 and 0.00332; ESP Exome Variant Server 0.00323.

Submissions (4):

CeGaT Center for Human Genetics Tuebingen
Classification: Likely benign. Last evaluated: 2023-01-01. Review status: criteria provided, single submitter. Criteria: CeGaT Center For Human Genetics Tuebingen Variant Classification Criteria Version 2. Collection method: clinical testing. Allele origin: germline. Affected: yes. Observed: 3 variant alleles.
Comment: MUC16: BP4, BP7, BS2

Labcorp Genetics (formerly Invitae), Labcorp
Classification: Benign. Last evaluated: 2018-05-23. Review status: criteria provided, single submitter. Criteria: Invitae Variant Classification Sherloc (09022015). Collection method: clinical testing. Allele origin: germline.

Breakthrough Genomics
Classification: Benign. Review status: criteria provided, single submitter. Criteria: ACMG Guidelines, 2015. Collection method: not provided. Allele origin: germline. Inheritance: Unknown mechanism. Affected: yes.

PreventionGenetics, part of Exact Sciences
Classification: Benign for MUC16-related condition. Last evaluated: 2019-06-06. Review status: no assertion criteria provided. Collection method: clinical testing. Allele origin: germline. Not counted in ClinVar's aggregate classification.
Comment: This variant is classified as benign based on ACMG/AMP sequence variant interpretation guidelines (Richards et al. 2015 PMID: 25741868, with internal and published modifications).

NM_001401501.2(MUC16):c.44076G>A (p.Glu14692=)

Gene: MUC16 (mucin 16, cell surface associated; minus strand). Cytogenetic location: 19p13.2.
Variant type: single nucleotide variant.
Coding change: c.44076G>A on transcript NM_001401501.2 (MANE Select); coding-DNA position 44076, G replaced by A.
Protein change: p.Glu14692=; no amino-acid change (glutamic acid 14692 retained).
Molecular consequence: synonymous variant.
Genome position (GRCh38, 1-based): chr19:8,882,863, C>T on the plus strand (G>A on the coding strand, the complement: MUC16 is on the minus strand). VCF-style: chr19-8882863-C-T. GRCh37 (hg19) VCF-style: chr19-8993539-C-T.
Other names: c.44502G>A, p.Glu14834= (NM_001414686.1); c.43956G>A, p.Glu14652= (NM_001414687.1); c.41550G>A, p.Glu13850= (NM_024690.2).
Identifiers: ClinVar variation 718464 (VCV000718464.29), dbSNP rs187392925, ClinGen allele CA9162760.